The following is an entry in ClinVar:

ClinVar aggregate classification (germline): Uncertain significance (1 of 4 stars; one submission).

Conditions:
NODAL-related disorder. Also called: NODAL-related condition; NODAL-related disorders. Identifiers: MedGen CN239298.

Submission:

PreventionGenetics, part of Exact Sciences
Classification: Uncertain significance for NODAL-related condition. Last evaluated: 2023-06-12. Review status: criteria provided, single submitter. Criteria: ACMG Guidelines, 2015. Collection method: clinical testing. Allele origin: germline.
Comment: The NODAL c.329C>T variant is predicted to result in the amino acid substitution p.Ala110Val. To our knowledge, this variant has not been reported in the literature or in a large population database, indicating this variant is rare. At this time, the clinical significance of this variant is uncertain due to the absence of conclusive functional and genetic evidence.

NM_018055.5(NODAL):c.329C>T (p.Ala110Val)

Gene: NODAL (nodal growth differentiation factor; minus strand). Cytogenetic location: 10q22.1.
Variant type: single nucleotide variant.
Coding change: c.329C>T on transcript NM_018055.5 (MANE Select); coding-DNA position 329, C replaced by T.
Protein change: p.Ala110Val; replaces alanine 110 with valine.
Molecular consequence: missense variant. On other transcripts: 5 prime UTR variant (1).
Genome position (GRCh38, 1-based): chr10:70,435,848, G>A on the plus strand (C>T on the coding strand, the complement: NODAL is on the minus strand). VCF-style: chr10-70435848-G-A. GRCh37 (hg19) VCF-style: chr10-72195604-G-A.
Other names: c.-71C>T (NM_001329906.2); short protein forms A110V.
Identifiers: ClinVar variation 2632331 (VCV002632331.1), dbSNP rs2493087047, ClinGen allele CA376946553.